The following is an entry in ClinVar:

NM_198123.2(CSMD3):c.5676T>G (p.Asn1892Lys)

Gene: CSMD3 (CUB and Sushi multiple domains 3; minus strand). Cytogenetic location: 8q23.3.
Variant type: single nucleotide variant.
Coding change: c.5676T>G on transcript NM_198123.2 (MANE Select); coding-DNA position 5676, T replaced by G.
Protein change: p.Asn1892Lys; replaces asparagine 1892 with lysine.
Molecular consequence: missense variant.
Genome position (GRCh38, 1-based): chr8:112,406,657, A>C on the plus strand (T>G on the coding strand, the complement: CSMD3 is on the minus strand). VCF-style: chr8-112406657-A-C. GRCh37 (hg19) VCF-style: chr8-113418886-A-C.
Other names: c.5076T>G, p.Asn1692Lys (NM_001363185.1); c.5364T>G, p.Asn1788Lys (NM_052900.3); c.5556T>G, p.Asn1852Lys (NM_198124.2); short protein forms N1692K, N1788K, N1852K, N1892K.
Identifiers: ClinVar variation 3774551 (VCV003774551.1).

ClinVar aggregate classification (germline): Uncertain significance (1 of 4 stars; one submission).

Conditions:
Familial meningioma. Also called: Meningioma, familial, susceptibility to. Identifiers: Orphanet 263662, MedGen C3551915, MONDO:0011789, OMIM 607174.

Submission:

Dr. Guy Rouleau's laboratory, McGill University
Classification: Uncertain significance for Familial meningioma. Last evaluated: 2025-03-22. Review status: criteria provided, single submitter. Criteria: ACMG Guidelines, 2015. Collection method: research. Allele origin: germline. Affected: yes.
Comment: This missense variant located at the position 1892, is change from Asparagine (N), neutral and polar amino acid to Lysine (K), basic amino acid in CSMD3 gene. This variant has not been reported in population database (gnomAD v2.1.1 no allele frequency, coverage exome 68X). Based on the available evidence, the clinical significance of this variant is unknown.